The following is an entry in ClinVar:

NM_005902.4(SMAD3):c.64G>A (p.Glu22Lys)

Gene: SMAD3 (SMAD family member 3; plus strand). Cytogenetic location: 15q22.33.
Variant type: single nucleotide variant.
Coding change: c.64G>A on transcript NM_005902.4 (MANE Select); coding-DNA position 64, G replaced by A.
Protein change: p.Glu22Lys; replaces glutamic acid 22 with lysine.
Molecular consequence: missense variant.
Genome position (GRCh38, 1-based): chr15:67,066,218, G>A. VCF-style: chr15-67066218-G-A. GRCh37 (hg19) VCF-style: chr15-67358556-G-A.
Other names: short protein forms E22K.
Identifiers: ClinVar variation 1683948 (VCV001683948.2), dbSNP rs2140188822, ClinGen allele CA393202797.

ClinVar aggregate classification (germline): Uncertain significance (1 of 4 stars; one submission).

Submission:

GeneDx
Classification: Uncertain significance. Last evaluated: 2022-05-04. Review status: criteria provided, single submitter. Criteria: GeneDx Variant Classification Process June 2021. Collection method: clinical testing. Allele origin: germline. Affected: yes.
Comment: Not observed at significant frequency in large population cohorts (gnomAD); In silico analysis supports that this missense variant has a deleterious effect on protein structure/function; Has not been previously published as pathogenic or benign to our knowledge